The following is an entry in ClinVar:

ClinVar aggregate classification (germline): Uncertain significance (1 of 4 stars; one submission).

Conditions:
Congenital contractural arachnodactyly (CCA). Also called: BEALS SYNDROME; Arthrogryposis, distal, type 9; Beals-Hecht syndrome. Identifiers: Orphanet 115, MedGen C0220668, MONDO:0007363, OMIM 121050.

Submission:

Labcorp Genetics (formerly Invitae), Labcorp
Classification: Uncertain significance for Congenital contractural arachnodactyly. Last evaluated: 2025-12-15. Review status: criteria provided, single submitter. Criteria: Invitae Variant Classification Sherloc (09022015). Collection method: clinical testing. Allele origin: germline.
Comment: This sequence change replaces cysteine, which is neutral and slightly polar, with glycine, which is neutral and non-polar, at codon 615 of the FBN2 protein (p.Cys615Gly). This variant is not present in population databases (gnomAD no frequency). This variant has not been reported in the literature in individuals affected with FBN2-related conditions. Invitae Evidence Modeling of protein sequence and biophysical properties (such as structural, functional, and spatial information, amino acid conservation, physicochemical variation, residue mobility, and thermodynamic stability) indicates that this missense variant is expected to disrupt FBN2 protein function with a positive predictive value of 80%. In summary, the available evidence is currently insufficient to determine the role of this variant in disease. Therefore, it has been classified as a Variant of Uncertain Significance.

NM_001999.4(FBN2):c.1843T>G (p.Cys615Gly)

Gene: FBN2 (fibrillin 2; minus strand). Cytogenetic location: 5q23.3.
Variant type: single nucleotide variant.
Coding change: c.1843T>G on transcript NM_001999.4 (MANE Select); coding-DNA position 1843, T replaced by G.
Protein change: p.Cys615Gly; replaces cysteine 615 with glycine.
Molecular consequence: missense variant.
Genome position (GRCh38, 1-based): chr5:128,377,758, A>C on the plus strand (T>G on the coding strand, the complement: FBN2 is on the minus strand). VCF-style: chr5-128377758-A-C. GRCh37 (hg19) VCF-style: chr5-127713451-A-C.
Other names: short protein forms C615G.
Identifiers: ClinVar variation 4745112 (VCV004745112.1).
Genomic context (GRCh38, chr5:128,377,758, plus strand): 5'-TAAAAATGTATATCCTTTTAAAATCTTTTGCAAGGGAGCAGGCAATTTCCATACCAACAC[A>C]GTTTTTTCCATCTGTAGTTAATTCAAAGCCGGCATTGCAAATGCACTGGAAACTTCCATC-3'
Protein context (NP_001990.2, residues 605-625): GFELTTDGKN[Cys615Gly]VDHDECTTTN